The following is an entry in ClinVar:

NM_020778.5(ALPK3):c.2284G>A (p.Gly762Arg)

Gene: ALPK3 (alpha kinase 3; plus strand). Cytogenetic location: 15q25.3.
Variant type: single nucleotide variant.
Coding change: c.2284G>A on transcript NM_020778.5 (MANE Select); coding-DNA position 2284, G replaced by A.
Protein change: p.Gly762Arg; replaces glycine 762 with arginine.
Molecular consequence: missense variant.
Genome position (GRCh38, 1-based): chr15:84,857,022, G>A. VCF-style: chr15-84857022-G-A. GRCh37 (hg19) VCF-style: chr15-85400253-G-A.
Other names: short protein forms G762R.
Identifiers: ClinVar variation 1797305 (VCV001797305.8), dbSNP rs768739479, ClinGen allele CA7709379.
Genomic context (GRCh38, chr15:84,857,022, plus strand): 5'-CCACCTACAGCGGGTCCTAGAGCTCCTCTGAATATTGAATGTTTTGTACAGACCCCAGAA[G>A]GGTCTTGTTTCCCAAAAAAACCTGGTTGCCTGCCCAGATCTGAGGAGGCAGTAGTAACAG-3'
Protein context (NP_065829.4, residues 752-772): NIECFVQTPE[Gly762Arg]SCFPKKPGCL

ClinVar aggregate classification (germline): Uncertain significance. Review status: criteria provided, multiple submitters, no conflicts (2 of 4 stars). 3 submissions from 3 submitters: Uncertain significance (3). Last evaluated 2025-11-09.

Conditions:
Cardiovascular phenotype. Identifiers: MedGen CN230736.
Cardiomyopathy, familial hypertrophic 27. Identifiers: MedGen C4748014, MONDO:0054838, OMIM 618052.

Allele frequency attached by ClinVar (database versions not stated): TOPMed below 0.00001; ExAC 0.00001; gnomAD 0.00001; gnomAD exomes 0.00001.
gnomAD v4.1: 11 of 1,614,020 alleles (0.00068%); highest among the groups gnomAD compares: East Asian, 0.022%; no homozygotes.

Submissions (3):

Labcorp Genetics (formerly Invitae), Labcorp
Classification: Uncertain significance. Last evaluated: 2025-11-09. Review status: criteria provided, single submitter. Criteria: Invitae Variant Classification Sherloc (09022015). Collection method: clinical testing. Allele origin: germline.
Comment: This sequence change replaces glycine, which is neutral and non-polar, with arginine, which is basic and polar, at codon 964 of the ALPK3 protein (p.Gly964Arg). This variant is present in population databases (rs768739479, gnomAD 0.02%). This variant has not been reported in the literature in individuals affected with ALPK3-related conditions. ClinVar contains an entry for this variant (Variation ID: 1797305). Invitae Evidence Modeling of protein sequence and biophysical properties (such as structural, functional, and spatial information, amino acid conservation, physicochemical variation, residue mobility, and thermodynamic stability) indicates that this missense variant is not expected to disrupt ALPK3 protein function with a negative predictive value of 80%. In summary, the available evidence is currently insufficient to determine the role of this variant in disease. Therefore, it has been classified as a Variant of Uncertain Significance.

Ambry Genetics
Classification: Uncertain significance for Cardiovascular phenotype. Last evaluated: 2022-02-20. Review status: criteria provided, single submitter. Criteria: Ambry Variant Classification Scheme 2023. Collection method: clinical testing. Allele origin: germline.
Comment: The p.G964R variant (also known as c.2890G>A), located in coding exon 6 of the ALPK3 gene, results from a G to A substitution at nucleotide position 2890. The glycine at codon 964 is replaced by arginine, an amino acid with dissimilar properties. This amino acid position is poorly conserved in available vertebrate species. In addition, this alteration is predicted to be tolerated by in silico analysis. Since supporting evidence is limited at this time, the clinical significance of this alteration remains unclear.

Victorian Clinical Genetics Services, Murdoch Childrens Research Institute
Classification: Uncertain significance for Cardiomyopathy, familial hypertrophic 27. Last evaluated: 2021-05-06. Review status: criteria provided, single submitter. Criteria: ACMG Guidelines, 2015. Collection method: clinical testing. Allele origin: germline. Inheritance: Autosomal recessive inheritance. Affected: yes.
Comment: Based on the classification scheme VCGS_Germline_v1.3.4, this variant is classified as VUS-3C. Following criteria are met: 0102 - Loss of function is a known mechanism of disease in this gene and is associated with familial hypertrophic cardiomyopathy 27 (MIM#618052). (I) 0106 - This gene is associated with autosomal recessive disease. (I) 0200 - Variant is predicted to result in a missense amino acid change from glycine to arginine. (I) 0251 - This variant is heterozygous. (I) 0304 - Variant is present in gnomAD (v2) <0.01 for a recessive condition (4 heterozygotes, 0 homozygotes). (SP) 0309 - An alternative amino acid change at the same position has been observed in gnomAD (v2) (6 heterozygotes, 0 homozygotes). (I) 0504 - Same amino acid change has been observed in placental mammals. (SB) 0604 - Variant is not located in an established domain, motif, hotspot or informative constraint region. (I) 0705 - No comparable missense variants have previous evidence for pathogenicity. (I) 0807 - This variant has no previous evidence of pathogenicity. (I) 0905 - No published segregation evidence has been identified for this variant. (I) 1007 - No published functional evidence has been identified for this variant. (I) 1208 - Inheritance information for this variant is not currently available in this individual. (I) Legend: (SP) - Supporting pathogenic, (I) - Information, (SB) - Supporting benign